The following is an entry in ClinVar:

NM_006059.4(LAMC3):c.208G>T (p.Ala70Ser)

Gene: LAMC3 (laminin subunit gamma 3; plus strand). Cytogenetic location: 9q34.12.
Variant type: single nucleotide variant.
Coding change: c.208G>T on transcript NM_006059.4 (MANE Select); coding-DNA position 208, G replaced by T.
Protein change: p.Ala70Ser; replaces alanine 70 with serine.
Molecular consequence: missense variant.
Genome position (GRCh38, 1-based): chr9:131,009,422, G>T. VCF-style: chr9-131009422-G-T. GRCh37 (hg19) VCF-style: chr9-133884809-G-T.
Other names: c.208G>T (NM_006059.3); short protein forms A70S.
Identifiers: ClinVar variation 1370465 (VCV001370465.7), dbSNP rs947443865, ClinGen allele CA200659167.

ClinVar aggregate classification (germline): Uncertain significance. Review status: criteria provided, multiple submitters, no conflicts (2 of 4 stars). 2 submissions from 2 submitters: Uncertain significance (2). Last evaluated 2023-08-15.

Conditions:
Inborn genetic diseases. Identifiers: MedGen C0950123, MeSH D030342.

Allele frequency attached by ClinVar (database versions not stated): TOPMed below 0.00001; gnomAD exomes 0.00001.
gnomAD v4.1: 8 of 1,542,160 alleles (0.00052%); highest among the groups gnomAD compares: South Asian, 0.0083%; no homozygotes.

Submissions (2):

Ambry Genetics
Classification: Uncertain significance for Inborn genetic diseases. Last evaluated: 2023-08-15. Review status: criteria provided, single submitter. Criteria: Ambry Variant Classification Scheme 2023. Collection method: clinical testing. Allele origin: germline.

Labcorp Genetics (formerly Invitae), Labcorp
Classification: Uncertain significance. Last evaluated: 2023-07-17. Review status: criteria provided, single submitter. Criteria: Invitae Variant Classification Sherloc (09022015). Collection method: clinical testing. Allele origin: germline.
Comment: In summary, the available evidence is currently insufficient to determine the role of this variant in disease. Therefore, it has been classified as a Variant of Uncertain Significance. An algorithm developed to predict the effect of missense changes on protein structure and function (PolyPhen-2) suggests that this variant is likely to be tolerated. ClinVar contains an entry for this variant (Variation ID: 1370465). This variant has not been reported in the literature in individuals affected with LAMC3-related conditions. The frequency data for this variant in the population databases is considered unreliable, as metrics indicate poor data quality at this position in the gnomAD database. This sequence change replaces alanine, which is neutral and non-polar, with serine, which is neutral and polar, at codon 70 of the LAMC3 protein (p.Ala70Ser).